The following is an entry in ClinVar:

NM_000082.4(ERCC8):c.399+1G>A

Genes: ERCC8 (ERCC excision repair 8, CSA ubiquitin ligase complex subunit; minus strand), ERCC8-AS1 (ERCC8 antisense RNA 1; plus strand). Cytogenetic location: 5q12.1.
Variant type: single nucleotide variant.
Coding change: c.399+1G>A on transcript NM_000082.4 (MANE Select); the canonical splice donor site of the intron after coding-DNA position 399, G replaced by A.
Molecular consequence: splice donor variant.
Genome position (GRCh38, 1-based): chr5:60,918,264, C>T on the plus strand (G>A on the coding strand, the complement: ERCC8 is on the minus strand). VCF-style: chr5-60918264-C-T. GRCh37 (hg19) VCF-style: chr5-60214091-C-T.
Other names: c.22+1G>A (NM_001290285.2); c.225+1G>A (NM_001007233.3); c.399+1G>A (NM_001007234.3).
Identifiers: ClinVar variation 550005 (VCV000550005.10), dbSNP rs774047625, ClinGen allele CA3277873.
Genomic context (GRCh38, chr5:60,918,264, plus strand): 5'-GTTTAGGATTAAATTCTCCTTTATCCTACAAAGCAATCTGCAAATGTTTTAATGTACTTA[C>T]TTGTAATGTATTTGTATCCCATACTTTCAGAGTTTTATCAAATGAGCTTGATGTGAACAT-3'

ClinVar aggregate classification (germline): Likely pathogenic. Review status: criteria provided, multiple submitters, no conflicts (2 of 4 stars). 3 submissions from 3 submitters: Likely pathogenic (2). 1 of the submissions does not count toward it. Last evaluated 2026-01-27.

Conditions:
Cockayne syndrome type 1. Also called: Cockayne syndrome type I; Cockayne syndrome classical; Cockayne syndrome classic form. Identifiers: Orphanet 191, Orphanet 90321, MedGen C0751039, MONDO:0019569, OMIM 216400.
Cockayne syndrome. Identifiers: Orphanet 191, MedGen C0009207, MONDO:0016006.

Allele frequency attached by ClinVar (database versions not stated): gnomAD exomes below 0.00001 and 0.00001; ExAC 0.00001; TOPMed 0.00001; gnomAD 0.00003.
gnomAD v4.1: 16 of 1,592,350 alleles (0.001%); highest among the groups gnomAD compares: Admixed American, 0.0017%; no homozygotes.

Submissions (3):

Labcorp Genetics (formerly Invitae), Labcorp
Classification: Likely pathogenic. Last evaluated: 2026-01-27. Review status: criteria provided, single submitter. Criteria: Invitae Variant Classification Sherloc (09022015). Collection method: clinical testing. Allele origin: germline.
Comment: This sequence change affects a donor splice site in intron 4 of the ERCC8 gene. It is expected to disrupt RNA splicing. Variants that disrupt the donor or acceptor splice site typically lead to a loss of protein function (PMID: 16199547), and loss-of-function variants in ERCC8 are known to be pathogenic (PMID: 29572252). This variant is present in population databases (rs774047625, gnomAD 0.003%). Disruption of this splice site has been observed in individual(s) with Cockayne syndrome (PMID: 16865293). This variant is also known as IVS4+1G>A. ClinVar contains an entry for this variant (Variation ID: 550005). Algorithms developed to predict the effect of sequence changes on RNA splicing suggest that this variant may disrupt the consensus splice site. In summary, the currently available evidence indicates that the variant is pathogenic, but additional data are needed to prove that conclusively. Therefore, this variant has been classified as Likely Pathogenic.

Women's Health and Genetics/Laboratory Corporation of America, LabCorp
Classification: Likely pathogenic for Cockayne syndrome. Last evaluated: 2024-10-15. Review status: criteria provided, single submitter. Criteria: LabCorp Variant Classification Summary - May 2015. Collection method: clinical testing. Allele origin: germline.
Comment: Variant summary: ERCC8 c.399+1G>A is located in a canonical splice-site and is predicted to affect mRNA splicing resulting in a significantly altered protein due to either exon skipping, shortening, or inclusion of intronic material. Variants that disrupt the consensus splice site are a relatively common cause of aberrant splicing and loss of ERCC8 function. Several computational tools predict a significant impact on normal splicing: Four predict the variant abolishes a 5' splicing donor site. However, these predictions have yet to be confirmed by functional studies. The variant allele was found at a frequency of 4e-06 in 250032 control chromosomes. c.399+1G>A has been reported in the literature in individuals affected with Cockayne Syndrome (Bertola_2006). These data indicate that the variant may be associated with disease. To our knowledge, no experimental evidence demonstrating an impact on protein function has been reported. The following publication have been ascertained in the context of this evaluation (PMID: 16865293). ClinVar contains an entry for this variant (Variation ID: 550005). Based on the evidence outlined above, the variant was classified as likely pathogenic.

Counsyl
Classification: Likely pathogenic for Cockayne syndrome type 1. Last evaluated: 2017-04-28. Review status: no assertion criteria provided. Collection method: clinical testing. Allele origin: unknown. Not counted in ClinVar's aggregate classification.

Literature cited by the submitters: PubMed 16199547 (cited by Labcorp Genetics (formerly Invitae), Labcorp); PubMed 29572252 (cited by Labcorp Genetics (formerly Invitae), Labcorp); PubMed 16865293 (cited by 3 submitters); PubMed 25525159 (cited by Counsyl).